The following is an entry in ClinVar:

NM_001288705.3(CSF1R):c.923A>C (p.Asn308Thr)

Gene: CSF1R (colony stimulating factor 1 receptor; minus strand). Cytogenetic location: 5q32.
Variant type: single nucleotide variant.
Coding change: c.923A>C on transcript NM_001288705.3 (MANE Select); coding-DNA position 923, A replaced by C.
Protein change: p.Asn308Thr; replaces asparagine 308 with threonine.
Molecular consequence: missense variant. On other transcripts: non-coding transcript variant (2).
Genome position (GRCh38, 1-based): chr5:150,073,460, T>G on the plus strand (A>C on the coding strand, the complement: CSF1R is on the minus strand). VCF-style: chr5-150073460-T-G. GRCh37 (hg19) VCF-style: chr5-149453023-T-G.
Other names: c.923A>C, p.Asn308Thr (NM_001349736.2, NM_001375320.1, NM_005211.4); c.479A>C, p.Asn160Thr (NM_001375321.1); short protein forms N308T, N160T.
Identifiers: ClinVar variation 4616630 (VCV004616630.2).

ClinVar aggregate classification (germline): Uncertain significance. Review status: criteria provided, multiple submitters, no conflicts (2 of 4 stars). 2 submissions from 2 submitters: Uncertain significance (2). Last evaluated 2026-09-04.

Conditions:
Inborn genetic diseases. Identifiers: MedGen C0950123, MeSH D030342.
CSF1R-related disorder. Also called: CSF1R-related condition. Identifiers: MedGen CN379780, MONDO:0100632.

gnomAD v4.1: 3 of 1,613,900 alleles (0.00019%); highest among the groups gnomAD compares: Non-Finnish European, 0.00025%; no homozygotes.

Submissions (2):

PreventionGenetics, part of Exact Sciences
Classification: Uncertain significance for CSF1R-related condition. Last evaluated: 2026-09-04. Review status: criteria provided, single submitter. Criteria: ACMG Guidelines, 2015. Collection method: clinical testing. Allele origin: germline.
Comment: The CSF1R c.923A>C variant is predicted to result in the amino acid substitution p.Asn308Thr. To our knowledge, this variant has not been reported in the literature or in a large population database (gnomAD), indicating this variant is rare. At this time, the clinical significance of this variant is uncertain due to the absence of conclusive functional and genetic evidence.

Ambry Genetics
Classification: Uncertain significance for Inborn genetic diseases. Last evaluated: 2025-12-09. Review status: criteria provided, single submitter. Criteria: Ambry Variant Classification Scheme 2023. Collection method: clinical testing. Allele origin: germline.